The following is an entry in ClinVar:

ClinVar aggregate classification (germline): Likely benign (1 of 4 stars; one submission).

Conditions:
Deafness-lymphedema-leukemia syndrome. Also called: Lymphedema, primary, with myelodysplasia; Emberger syndrome. Identifiers: Orphanet 3226, MedGen C3279664, MONDO:0013540, OMIM 614038.

Allele frequency attached by ClinVar (database versions not stated): gnomAD exomes 0.00170; 1000 Genomes Project 30x 0.00203; TOPMed 0.00079; 1000 Genomes Project 0.00200.

Submission:

Illumina Laboratory Services, Illumina
Classification: Likely benign for Deafness-lymphedema-leukemia syndrome. Last evaluated: 2018-01-13. Review status: criteria provided, single submitter. Criteria: ICSL Variant Classification Criteria 13 December 2019. Collection method: clinical testing. Allele origin: germline.
Comment: This variant was observed in the ICSL laboratory as part of a predisposition screen in an ostensibly healthy population. It had not been previously curated by ICSL or reported in the Human Gene Mutation Database (HGMD: prior to June 1st, 2018), and was therefore a candidate for classification through an automated scoring system. Utilizing variant allele frequency, disease prevalence and penetrance estimates, and inheritance mode, an automated score was calculated to assess if this variant is too frequent to cause the disease. Based on the score and internal cut-off values, a variant classified as likely benign is not then subjected to further curation. The score for this variant resulted in a classification of likely benign for this disease.

NM_032638.5(GATA2):c.*697C>T

Gene: GATA2 (GATA binding protein 2; minus strand). Cytogenetic location: 3q21.3.
Variant type: single nucleotide variant.
Coding change: c.*697C>T on transcript NM_032638.5 (MANE Select); 697 bases downstream of the stop codon, C replaced by T.
Molecular consequence: 3 prime UTR variant.
Genome position (GRCh38, 1-based): chr3:128,480,322, G>A on the plus strand (C>T on the coding strand, the complement: GATA2 is on the minus strand). VCF-style: chr3-128480322-G-A. GRCh37 (hg19) VCF-style: chr3-128199165-G-A.
Other names: c.*697C>T (NM_001145661.2, NM_001145662.1).
Identifiers: ClinVar variation 343118 (VCV000343118.5), dbSNP rs45437196, ClinGen allele CA10615206.